The following is an entry in ClinVar:

ClinVar aggregate classification (germline): Likely pathogenic (1 of 4 stars; one submission).

Submission:

Labcorp Genetics (formerly Invitae), Labcorp
Classification: Likely pathogenic. Last evaluated: 2020-08-25. Review status: criteria provided, single submitter. Criteria: Invitae Variant Classification Sherloc (09022015). Collection method: clinical testing. Allele origin: germline.
Comment: This sequence change affects an acceptor splice site in intron 77 of the COL7A1 gene. It is expected to disrupt RNA splicing and likely results in an absent or disrupted protein product. This variant is not present in population databases (ExAC no frequency). This variant has not been reported in the literature in individuals with COL7A1-related conditions. Algorithms developed to predict the effect of sequence changes on RNA splicing suggest that this variant may disrupt the consensus splice site, but this prediction has not been confirmed by published transcriptional studies. Donor and acceptor splice site variants typically lead to a loss of protein function (PMID: 16199547), and loss-of-function variants in COL7A1 are known to be pathogenic (PMID: 16971478). In summary, the currently available evidence indicates that the variant is pathogenic, but additional data are needed to prove that conclusively. Therefore, this variant has been classified as Likely Pathogenic.

Literature cited by the submitters: PubMed 16199547; PubMed 16971478.

NM_000094.4(COL7A1):c.6394-1G>C

Gene: COL7A1 (collagen type VII alpha 1 chain; minus strand). Cytogenetic location: 3p21.31.
Variant type: single nucleotide variant.
Coding change: c.6394-1G>C on transcript NM_000094.4 (MANE Select); the canonical splice acceptor site of the intron before coding-DNA position 6394, G replaced by C.
Molecular consequence: splice acceptor variant.
Genome position (GRCh38, 1-based): chr3:48,574,551, C>G on the plus strand (G>C on the coding strand, the complement: COL7A1 is on the minus strand). VCF-style: chr3-48574551-C-G. GRCh37 (hg19) VCF-style: chr3-48611984-C-G.
Identifiers: ClinVar variation 1068402 (VCV001068402.5), dbSNP rs2107668943, ClinGen allele CA352658802.